The following is an entry in ClinVar:

ClinVar aggregate classification (germline): Pathogenic/Likely pathogenic. Review status: criteria provided, multiple submitters, no conflicts (2 of 4 stars). 5 submissions from 5 submitters: Pathogenic (3); Likely pathogenic (1). 1 of the submissions does not count toward it. Last evaluated 2024-11-11.

Conditions:
KCNMA1-related disorder. Also called: KCNMA1-related condition; KCNMA1-related disorders.
Inborn genetic diseases. Identifiers: MedGen C0950123, MeSH D030342.
Liang-Wang syndrome. Identifiers: Orphanet 664438, MedGen C5231479, MONDO:0032886, OMIM 618729.

Submissions (5):

Ambry Genetics
Classification: Pathogenic for Inborn genetic diseases. Last evaluated: 2024-11-11. Review status: criteria provided, single submitter. Criteria: Ambry Variant Classification Scheme 2023. Collection method: clinical testing. Allele origin: germline.
Comment: The c.1123G>A (p.G375R) alteration is located in exon 8 (coding exon 8) of the KCNMA1 gene. This alteration results from a G to A substitution at nucleotide position 1123, causing the glycine (G) at amino acid position 375 to be replaced by an arginine (R). for autosomal dominant KCNMA1-related neurological disorder; however, its clinical significance for autosomal recessive KCNMA1-related neurodevelopmental disorder is uncertain. This variant was not reported in population-based cohorts in the Genome Aggregation Database (gnomAD). This variant has been determined to be the result of a de novo mutation in multiple individuals with features consistent with KCNMA1-related neurodevelopmental movement disorder (Liang, 2019; Rodrigues Bento, 2021; Mameli, 2021; DECIPHER). This amino acid position is highly conserved in available vertebrate species. This missense alteration is located in a region that has a low rate of benign missense variation (Lek, 2016; Firth, 2009). This alteration is predicted to be deleterious by in silico analysis. Based on the available evidence, this alteration is classified as pathogenic.

Blueprint Genetics
Classification: Pathogenic for KCNMA1-related disorders. Last evaluated: 2021-11-22. Review status: criteria provided, single submitter. Criteria: ACMG Guidelines, 2015. Collection method: clinical testing. Allele origin: de novo. Affected: yes. Observed: 1 variant allele.

Revvity Omics, Revvity
Classification: Pathogenic. Last evaluated: 2021-02-12. Review status: criteria provided, single submitter. Criteria: ACMG Guidelines, 2015. Collection method: clinical testing. Allele origin: germline.

Centre of Medical Genetics, University of Antwerp
Classification: Likely pathogenic for Liang-Wang syndrome. Last evaluated: 2020-11-16. Review status: criteria provided, single submitter. Criteria: ACMG Guidelines, 2015. Collection method: curation. Allele origin: de novo. Affected: yes.

OMIM
Classification: Pathogenic for LIANG-WANG SYNDROME. Last evaluated: 2020-01-10. Review status: no assertion criteria provided. Collection method: literature only. Allele origin: germline. Not counted in ClinVar's aggregate classification.

Literature cited by the submitters: PubMed 31152168 (cited by 3 submitters); PubMed 34499417 (cited by Ambry Genetics); PubMed 34563042 (cited by Ambry Genetics); PubMed 32132200 (cited by Centre of Medical Genetics, University of Antwerp); PubMed 28383543 (cited by Centre of Medical Genetics, University of Antwerp); PubMed 27567911 (cited by Centre of Medical Genetics, University of Antwerp); PubMed 26195193 (cited by Centre of Medical Genetics, University of Antwerp); PubMed 15937479 (cited by Centre of Medical Genetics, University of Antwerp); PubMed 15194823 (cited by Centre of Medical Genetics, University of Antwerp); PubMed 15184377 (cited by Centre of Medical Genetics, University of Antwerp); PubMed 12366739 (cited by Centre of Medical Genetics, University of Antwerp).

NM_001161352.2(KCNMA1):c.1123G>A (p.Gly375Arg)

Gene: KCNMA1 (potassium calcium-activated channel subfamily M alpha 1; minus strand). Cytogenetic location: 10q22.3.
Variant type: single nucleotide variant.
Coding change: c.1123G>A on transcript NM_001161352.2 (MANE Select); coding-DNA position 1123, G replaced by A.
Protein change: p.Gly375Arg; replaces glycine 375 with arginine.
Molecular consequence: missense variant.
Genome position (GRCh38, 1-based): chr10:77,110,181, C>T on the plus strand (G>A on the coding strand, the complement: KCNMA1 is on the minus strand). VCF-style: chr10-77110181-C-T. GRCh37 (hg19) VCF-style: chr10-78869939-C-T.
Other names: G356R; c.1123G>A, p.Gly375Arg (NM_001014797.3, NM_001161353.2, NM_001271519.2 and 7 more transcripts); c.961G>A, p.Gly321Arg (NM_001271518.2); c.583G>A, p.Gly195Arg (NM_001322838.2); short protein forms G375R, G321R, G195R.
Identifiers: ClinVar variation 521128 (VCV000521128.12), dbSNP rs1554829003, ClinGen allele CA377409002.